The following is an entry in ClinVar:

NM_001009944.3(PKD1):c.11049_11060del (p.Thr3684_Ala3687del)

Genes: PKD1 (polycystin 1, transient receptor potential channel interacting; minus strand), PKD1-AS1 (PKD1 antisense RNA 1; plus strand). Cytogenetic location: 16p13.3.
Variant type: Deletion.
Coding change: c.11049_11060del on transcript NM_001009944.3 (MANE Select); coding-DNA positions 11049 to 11060, 12 bases deleted (GACCCTGCTGGC).
Protein change: p.Thr3684_Ala3687del.
Genome position (GRCh38, 1-based): chr16:2,093,050-2,093,061, GCCAGCAGGGTC deleted on the plus strand (GACCCTGCTGGC on the coding strand, the reverse complement: PKD1 is on the minus strand). VCF-style (leftmost placement, unchanged base first): chr16-2093049-GGCCAGCAGGGTC-G. GRCh37 (hg19) VCF-style: chr16-2143050-GGCCAGCAGGGTC-G.
Other names: c.11046_11057del, p.Thr3683_Ala3686del (NM_000296.4).
Identifiers: ClinVar variation 4796781 (VCV004796781.1).

ClinVar aggregate classification (germline): Uncertain significance (1 of 4 stars; one submission).

Conditions:
Polycystic kidney disease, adult type (PKD1). Also called: Polycystic Kidney, Autosomal Dominant; POLYCYSTIC KIDNEY DISEASE, ADULT, TYPE I; Polycystic Kidney Disease 1, Autosomal Dominant; Polycystic kidney disease 1; Polycystic kidney disease 1, severe; POLYCYSTIC KIDNEY DISEASE 1 WITH OR WITHOUT POLYCYSTIC LIVER DISEASE. Identifiers: MedGen C3149841, MONDO:0008263, OMIM 173900.

Submission:

MVZ Medizinische Genetik Mainz
Classification: Uncertain significance for Polycystic kidney disease, adult type. Last evaluated: 2026-01-28. Review status: criteria provided, single submitter. Criteria: UK Practice Guidelines For Variant Classification V4 01 2020. Collection method: clinical testing. Allele origin: germline. Inheritance: Autosomal dominant inheritance. Affected: yes. Observed: 1 variant allele.
Comment: ACMG Criteria: PM4,PM2_SUP,PP3,PP4